The following is an entry in ClinVar:

NM_001277115.2(DNAH11):c.4065G>C (p.Gln1355His)

Gene: DNAH11 (dynein axonemal heavy chain 11; plus strand). Cytogenetic location: 7p15.3.
Variant type: single nucleotide variant.
Coding change: c.4065G>C on transcript NM_001277115.2 (MANE Select); coding-DNA position 4065, G replaced by C.
Protein change: p.Gln1355His; replaces glutamine 1355 with histidine.
Molecular consequence: missense variant.
Genome position (GRCh38, 1-based): chr7:21,616,262, G>C. VCF-style: chr7-21616262-G-C. GRCh37 (hg19) VCF-style: chr7-21655880-G-C.
Other names: short protein forms Q1355H.
Identifiers: ClinVar variation 454673 (VCV000454673.6), dbSNP rs998146886, ClinGen allele CA366951494.

ClinVar aggregate classification (germline): Uncertain significance (1 of 4 stars; one submission).

Conditions:
Primary ciliary dyskinesia. Also called: Ciliary dyskinesia. Identifiers: Orphanet 244, MedGen C0008780, MONDO:0016575, HP:0012265.

Allele frequency attached by ClinVar (database versions not stated): gnomAD 0.00001.
gnomAD v4.1: 2 of 1,613,372 alleles (0.00012%); highest among the groups gnomAD compares: African/African-American, 0.0027%; no homozygotes.

Submission:

Labcorp Genetics (formerly Invitae), Labcorp
Classification: Uncertain significance for Primary ciliary dyskinesia. Last evaluated: 2021-08-31. Review status: criteria provided, single submitter. Criteria: Invitae Variant Classification Sherloc (09022015). Collection method: clinical testing. Allele origin: germline.
Comment: This sequence change replaces glutamine with histidine at codon 1355 of the DNAH11 protein (p.Gln1355His). The glutamine residue is moderately conserved and there is a small physicochemical difference between glutamine and histidine. This variant is not present in population databases (ExAC no frequency). This variant has not been reported in the literature in individuals affected with DNAH11-related conditions. Algorithms developed to predict the effect of missense changes on protein structure and function are either unavailable or do not agree on the potential impact of this missense change (SIFT: "Tolerated"; PolyPhen-2: "Probably Damaging"; Align-GVGD: "Class C0"). In summary, the available evidence is currently insufficient to determine the role of this variant in disease. Therefore, it has been classified as a Variant of Uncertain Significance.